The following is an entry in ClinVar:

NM_001378477.3(NYX):c.621_642delinsGCGA (p.Ser207_Val213delinsArg)

Gene: NYX (nyctalopin; plus strand). Cytogenetic location: Xp11.4.
Variant type: Indel.
Coding change: c.621_642delinsGCGA on transcript NM_001378477.3 (MANE Select); coding-DNA positions 621 to 642, CCTGCAGGCCAACCGCGTCCGT replaced by GCGA.
Protein change: p.Ser207_Val213delinsArg.
Molecular consequence: inframe indel.
Genome position (GRCh38, 1-based): chrX:41,474,089-41,474,110, CCTGCAGGCCAACCGCGTCCGT replaced by GCGA. VCF-style: chrX-41474089-CCTGCAGGCCAACCGCGTCCGT-GCGA. GRCh37 (hg19) VCF-style: chrX-41333342-CCTGCAGGCCAACCGCGTCCGT-GCGA.
Other names: c.621_642delinsGCGA, p.Ser207_Val213delinsArg (NM_022567.3).
Identifiers: ClinVar variation 5008151 (VCV005008151.1).

ClinVar aggregate classification (germline): Uncertain significance (1 of 4 stars; one submission).

Submission:

GeneDx
Classification: Uncertain significance. Last evaluated: 2026-02-13. Review status: criteria provided, single submitter. Criteria: GeneDx Variant Classification Process June 2021. Collection method: clinical testing. Allele origin: germline.
Comment: Not observed at significant frequency in large population cohorts (gnomAD); In-frame deletion of 7 amino acid(s) and insertion of 1 different amino acid(s) in a non-repeat region; In silico analysis supports a deleterious effect on protein structure/function; Has not been previously published as pathogenic or benign to our knowledge